The following is an entry in ClinVar:

ClinVar aggregate classification (germline): Uncertain significance (1 of 4 stars; one submission).

gnomAD v4.1: 2 of 1,459,442 alleles (0.00014%); highest among the groups gnomAD compares: Admixed American, 0.0033%; no homozygotes.

Submission:

Labcorp Genetics (formerly Invitae), Labcorp
Classification: Uncertain significance. Last evaluated: 2023-01-16. Review status: criteria provided, single submitter. Criteria: Invitae Variant Classification Sherloc (09022015). Collection method: clinical testing. Allele origin: germline.
Comment: This sequence change falls in intron 10 of the SLC1A2 gene. It does not directly change the encoded amino acid sequence of the SLC1A2 protein. It affects a nucleotide within the consensus splice site. This variant has not been reported in the literature in individuals affected with SLC1A2-related conditions. This variant is present in population databases (no rsID available, gnomAD 0.006%). In summary, the available evidence is currently insufficient to determine the role of this variant in disease. Therefore, it has been classified as a Variant of Uncertain Significance. Variants that disrupt the consensus splice site are a relatively common cause of aberrant splicing (PMID: 17576681, 9536098). Algorithms developed to predict the effect of sequence changes on RNA splicing suggest that this variant is not likely to affect RNA splicing.

Literature cited by the submitters: PubMed 17576681; PubMed 9536098.

NM_004171.4(SLC1A2):c.1653+5A>G

Gene: SLC1A2 (solute carrier family 1 member 2; minus strand). Cytogenetic location: 11p13.
Variant type: single nucleotide variant.
Coding change: c.1653+5A>G on transcript NM_004171.4 (MANE Select); 5 bases into the intron after coding-DNA position 1653, A replaced by G.
Molecular consequence: intron variant.
Genome position (GRCh38, 1-based): chr11:35,265,522, T>C on the plus strand (A>G on the coding strand, the complement: SLC1A2 is on the minus strand). VCF-style: chr11-35265522-T-C. GRCh37 (hg19) VCF-style: chr11-35287069-T-C.
Other names: c.1626+5A>G (NM_001195728.3, NM_001252652.2).
Identifiers: ClinVar variation 2958020 (VCV002958020.3), dbSNP rs1421744497, ClinGen allele CA380118291.